The following is an entry in ClinVar:

ClinVar aggregate classification (germline): Uncertain significance (1 of 4 stars; one submission).

Submission:

Labcorp Genetics (formerly Invitae), Labcorp
Classification: Uncertain significance. Last evaluated: 2019-11-08. Review status: criteria provided, single submitter. Criteria: Invitae Variant Classification Sherloc (09022015). Collection method: clinical testing. Allele origin: germline.
Comment: This variant has not been reported in the literature in individuals with ATR-related conditions. In summary, the available evidence is currently insufficient to determine the role of this variant in disease. Therefore, it has been classified as a Variant of Uncertain Significance. Algorithms developed to predict the effect of missense changes on protein structure and function are either unavailable or do not agree on the potential impact of this missense change (SIFT: "Tolerated"; PolyPhen-2: "Possibly Damaging"; Align-GVGD: "Class C0"). This variant is not present in population databases (ExAC no frequency). This sequence change replaces lysine with glutamic acid at codon 1005 of the ATR protein (p.Lys1005Glu). The lysine residue is moderately conserved and there is a small physicochemical difference between lysine and glutamic acid.

NM_001184.4(ATR):c.3013A>G (p.Lys1005Glu)

Gene: ATR (ATR checkpoint kinase; minus strand). Cytogenetic location: 3q23.
Variant type: single nucleotide variant.
Coding change: c.3013A>G on transcript NM_001184.4 (MANE Select); coding-DNA position 3013, A replaced by G.
Protein change: p.Lys1005Glu; replaces lysine 1005 with glutamic acid.
Molecular consequence: missense variant.
Genome position (GRCh38, 1-based): chr3:142,549,637, T>C on the plus strand (A>G on the coding strand, the complement: ATR is on the minus strand). VCF-style: chr3-142549637-T-C. GRCh37 (hg19) VCF-style: chr3-142268479-T-C.
Other names: c.2821A>G, p.Lys941Glu (NM_001354579.2); short protein forms K1005E, K941E.
Identifiers: ClinVar variation 972429 (VCV000972429.9), dbSNP rs2034402704, ClinGen allele CA354812530.